The following is an entry in ClinVar:

NM_001243279.3(ACSF3):c.1567C>T (p.Arg523Ter)

Gene: ACSF3 (acyl-CoA synthetase family member 3; plus strand). Cytogenetic location: 16q24.3.
Variant type: single nucleotide variant.
Coding change: c.1567C>T on transcript NM_001243279.3 (MANE Select); coding-DNA position 1567, C replaced by T.
Protein change: p.Arg523Ter; replaces arginine 523 with a stop codon.
Molecular consequence: nonsense. On other transcripts: non-coding transcript variant (4).
Genome position (GRCh38, 1-based): chr16:89,146,003, C>T. VCF-style: chr16-89146003-C-T. GRCh37 (hg19) VCF-style: chr16-89212411-C-T.
Other names: c.1567C>T, p.Arg523Ter (NM_001127214.4, NM_174917.5); c.772C>T, p.Arg258Ter (NM_001284316.2); short protein forms R523*, R258*.
Identifiers: ClinVar variation 31135 (VCV000031135.18), dbSNP rs387907118, ClinGen allele CA129705.

ClinVar aggregate classification (germline): Pathogenic. Review status: criteria provided, multiple submitters, no conflicts (2 of 4 stars). 6 submissions from 6 submitters: Pathogenic (5). 1 of the submissions does not count toward it. Last evaluated 2025-11-03.

Conditions:
Combined malonic and methylmalonic acidemia. Identifiers: Orphanet 289504, MedGen C3280314, MONDO:0013661, OMIM 614265.

Allele frequency attached by ClinVar (database versions not stated): gnomAD 0.00001; TOPMed 0.00001; gnomAD exomes 0.00002 and 0.00001.
gnomAD v4.1: 29 of 1,606,720 alleles (0.0018%); highest among the groups gnomAD compares: Middle Eastern, 0.033%; no homozygotes.

Submissions (6):

3billion
Classification: Pathogenic for Combined malonic and methylmalonic acidemia. Last evaluated: 2025-11-03. Review status: criteria provided, single submitter. Criteria: ACMG Guidelines, 2015. Collection method: clinical testing. Allele origin: germline. Affected: yes.
Comment: The variant is observed at an extremely low frequency in the gnomAD v4.1.0 dataset (total allele frequency: 0.002%). Predicted Consequence/Location: Stop-gained (nonsense): predicted to result in a loss or disruption of normal protein function through protein truncation. The predicted truncated protein may be shortened by less than 10% and a dominant negative effect has been reported near truncated region. The variant has been reported to be in trans with a pathogenic variant as either compound heterozygous or homozygous in at least one similarly affected unrelated individual (PMID: 21841779). The variant has been reported at least twice as pathogenic with clinical assertions and evidence for the classification (ClinVar ID: VCV000031135 /PMID: 21841779). Therefore, this variant is classified as Pathogenic according to the recommendation of ACMG/AMP guideline.

Natera, Inc.
Classification: Pathogenic for Combined malonic and methylmalonic aciduria. Last evaluated: 2025-10-29. Review status: criteria provided, single submitter. Criteria: Natera Variant Classification Schema (03/2026). Collection method: clinical testing. Allele origin: germline.
Comment: The c.1567C>T variant in ACSF3 is a nonsense variant predicted to introduce a stop codon at amino acid 523. This variant is expected to result in nonsense mediated decay, truncation, or a dysfunctional protein product. This variant is rare in the general population with a frequency below the threshold expected for the associated phenotype(s). This variant has been observed in one or more individuals affected with the associated recessive disease, as either homozygous or compound heterozygous with a second variant (PMID: 21841779). Given the available evidence, this variant is classified as Pathogenic.

Labcorp Genetics (formerly Invitae), Labcorp
Classification: Pathogenic for Combined malonic and methylmalonic acidemia. Last evaluated: 2024-06-24. Review status: criteria provided, single submitter. Criteria: Invitae Variant Classification Sherloc (09022015). Collection method: clinical testing. Allele origin: germline.
Comment: This sequence change creates a premature translational stop signal (p.Arg523*) in the ACSF3 gene. It is expected to result in an absent or disrupted protein product. Loss-of-function variants in ACSF3 are known to be pathogenic (PMID: 21841779, 26827111). This variant is present in population databases (rs387907118, gnomAD 0.01%). This premature translational stop signal has been observed in individual(s) with combined malonic and methylmalonic aciduria (PMID: 21841779). ClinVar contains an entry for this variant (Variation ID: 31135). For these reasons, this variant has been classified as Pathogenic.

Baylor Genetics
Classification: Pathogenic for Combined malonic and methylmalonic acidemia. Last evaluated: 2024-01-16. Review status: criteria provided, single submitter. Criteria: ACMG Guidelines, 2015. Collection method: clinical testing. Allele origin: unknown.

Fulgent Genetics
Classification: Pathogenic for Combined malonic and methylmalonic acidemia. Last evaluated: 2022-01-10. Review status: criteria provided, single submitter. Criteria: ACMG Guidelines, 2015. Collection method: clinical testing. Allele origin: unknown.

OMIM
Classification: Pathogenic for COMBINED MALONIC AND METHYLMALONIC ACIDURIA. Last evaluated: 2011-08-14. Review status: no assertion criteria provided. Collection method: literature only. Allele origin: germline. Not counted in ClinVar's aggregate classification.

Literature cited by the submitters: PubMed 21841779 (cited by 4 submitters); PubMed 26827111 (cited by Labcorp Genetics (formerly Invitae), Labcorp).